The following is an entry in ClinVar:

ClinVar aggregate classification (germline): Uncertain significance (1 of 4 stars; one submission).

Allele frequency attached by ClinVar (database versions not stated): gnomAD 0.00002.
gnomAD v4.1: 11 of 1,613,732 alleles (0.00068%); highest among the groups gnomAD compares: Admixed American, 0.013%; no homozygotes.

Submissions (2):

Labcorp Genetics (formerly Invitae), Labcorp
Classification: Uncertain significance. Last evaluated: 2023-08-17. Review status: criteria provided, single submitter. Criteria: Invitae Variant Classification Sherloc (09022015). Collection method: clinical testing. Allele origin: germline.
Comment: In summary, the available evidence is currently insufficient to determine the role of this variant in disease. Therefore, it has been classified as a Variant of Uncertain Significance. An algorithm developed to predict the effect of missense changes on protein structure and function (PolyPhen-2) suggests that this variant is likely to be tolerated. ClinVar contains an entry for this variant (Variation ID: 1956680). This variant has not been reported in the literature in individuals affected with COX10-related conditions. This variant is present in population databases (no rsID available, gnomAD 0.02%). This sequence change replaces serine, which is neutral and polar, with alanine, which is neutral and non-polar, at codon 32 of the COX10 protein (p.Ser32Ala).

Johnston Lab, North Central College
No classification provided (evidence only). Review status: no classification provided. Collection method: in vitro. Allele origin: not applicable. Functional consequence: loss_of_function_variant. Not counted in ClinVar's aggregate classification.
ClinVar note: "not provided" was previously submitted as the classification for the variant. However, the classification appeared to be based only on an observation of functional data so it was converted to no classification on 2025-07-30.

NM_001303.4(COX10):c.94T>G (p.Ser32Ala)

Gene: COX10 (cytochrome c oxidase assembly factor heme A:farnesyltransferase COX10; plus strand). Cytogenetic location: 17p12.
Variant type: single nucleotide variant.
Coding change: c.94T>G on transcript NM_001303.4 (MANE Select); coding-DNA position 94, T replaced by G.
Protein change: p.Ser32Ala; replaces serine 32 with alanine.
Molecular consequence: missense variant.
Genome position (GRCh38, 1-based): chr17:14,074,373, T>G. VCF-style: chr17-14074373-T-G. GRCh37 (hg19) VCF-style: chr17-13977690-T-G.
Other names: short protein forms S32A.
Identifiers: ClinVar variation 1956680 (VCV001956680.7), dbSNP rs1367048860, ClinGen allele CA398247711.